The following is an entry in ClinVar:

ClinVar aggregate classification (germline): Uncertain significance (1 of 4 stars; one submission).

Allele frequency attached by ClinVar (database versions not stated): gnomAD 0.00001.
gnomAD v4.1: 1 of 1,541,554 alleles (0.000065%); highest among the groups gnomAD compares: Non-Finnish European, 0.000088%; no homozygotes.

Submission:

Labcorp Genetics (formerly Invitae), Labcorp
Classification: Uncertain significance. Last evaluated: 2023-10-22. Review status: criteria provided, single submitter. Criteria: Invitae Variant Classification Sherloc (09022015). Collection method: clinical testing. Allele origin: germline.
Comment: This sequence change replaces leucine, which is neutral and non-polar, with phenylalanine, which is neutral and non-polar, at codon 826 of the CACNA1E protein (p.Leu826Phe). This variant is not present in population databases (gnomAD no frequency). This variant has not been reported in the literature in individuals affected with CACNA1E-related conditions. Advanced modeling of protein sequence and biophysical properties (such as structural, functional, and spatial information, amino acid conservation, physicochemical variation, residue mobility, and thermodynamic stability) has been performed at Invitae for this missense variant, however the output from this modeling did not meet the statistical confidence thresholds required to predict the impact of this variant on CACNA1E protein function. In summary, the available evidence is currently insufficient to determine the role of this variant in disease. Therefore, it has been classified as a Variant of Uncertain Significance.

NM_001205293.3(CACNA1E):c.2476C>T (p.Leu826Phe)

Gene: CACNA1E (calcium voltage-gated channel subunit alpha1 E; plus strand). Cytogenetic location: 1q25.3.
Variant type: single nucleotide variant.
Coding change: c.2476C>T on transcript NM_001205293.3 (MANE Select); coding-DNA position 2476, C replaced by T.
Protein change: p.Leu826Phe; replaces leucine 826 with phenylalanine.
Molecular consequence: missense variant.
Genome position (GRCh38, 1-based): chr1:181,732,562, C>T. VCF-style: chr1-181732562-C-T. GRCh37 (hg19) VCF-style: chr1-181701698-C-T.
Other names: c.2476C>T, p.Leu826Phe (NM_000721.4); c.2419C>T, p.Leu807Phe (NM_001205294.2); short protein forms L826F, L807F.
Identifiers: ClinVar variation 2770606 (VCV002770606.3), dbSNP rs1194673783, ClinGen allele CA343617435.